The following is an entry in ClinVar:

ClinVar aggregate classification (germline): Pathogenic (1 of 4 stars; one submission).

Conditions:
Macular corneal dystrophy (MCD). Also called: Macular corneal dystrophy Type I; GROENOUW TYPE II CORNEAL DYSTROPHY. Identifiers: Orphanet 98969, MedGen C1636149, MONDO:0009020, OMIM 217800.

Submission:

Labcorp Genetics (formerly Invitae), Labcorp
Classification: Pathogenic for Macular corneal dystrophy. Last evaluated: 2022-09-07. Review status: criteria provided, single submitter. Criteria: Invitae Variant Classification Sherloc (09022015). Collection method: clinical testing. Allele origin: germline.
Comment: This variant has not been reported in the literature in individuals affected with CHST6-related conditions. For these reasons, this variant has been classified as Pathogenic. This variant disrupts a region of the CHST6 protein in which other variant(s) (p.Gln298*) have been determined to be pathogenic (PMID: 19365571). This suggests that this is a clinically significant region of the protein, and that variants that disrupt it are likely to be disease-causing. This variant is not present in population databases (gnomAD no frequency). This sequence change creates a premature translational stop signal (p.Val99Leufs*11) in the CHST6 gene. While this is not anticipated to result in nonsense mediated decay, it is expected to disrupt the last 297 amino acid(s) of the CHST6 protein.

Literature cited by the submitters: PubMed 19365571.

NM_021615.5(CHST6):c.290_293dup (p.Val99fs)

Gene: CHST6 (carbohydrate sulfotransferase 6; minus strand). Cytogenetic location: 16q23.1.
Variant type: Duplication.
Coding change: c.290_293dup on transcript NM_021615.5 (MANE Select); coding-DNA positions 290 to 293, 4 bases duplicated (GCTC; older notation c.290_293dupGCTC).
Protein change: p.Val99fs; shifts the reading frame from valine 99.
Molecular consequence: frameshift variant.
Genome position (GRCh38, 1-based): chr16:75,479,536-75,479,539, GAGC duplicated on the plus strand (GCTC on the coding strand, the reverse complement: CHST6 is on the minus strand); duplicating any 4 consecutive bases within chr16:75,479,536-75,479,540 gives the same sequence; the c. name uses the placement nearest the transcript's 3' end. VCF-style (leftmost placement, unchanged base first): chr16-75479535-G-GGAGC. GRCh37 (hg19) VCF-style: chr16-75513433-G-GGAGC.
Other names: short protein forms V99fs.
Identifiers: ClinVar variation 2026508 (VCV002026508.4), dbSNP rs2507252387, ClinGen allele CA2580092042.
Genomic context (GRCh38, chr16:75,479,535, plus strand): 5'-GGACAGGTTGCGGCGCCAAGGCAGATAGGCATCAAACACGTCCATGTCGCACAGGAAGAC[G>GGAGC]GAGCGCACCAGGTCGCGCACAGCCATGTGCAGCGTTGCGGCGCTGCCCTGCGACAGGGTG-3'